The following is an entry in ClinVar:

NM_000222.3(KIT):c.1541-8C>T

Gene: KIT (KIT proto-oncogene, receptor tyrosine kinase; plus strand). Cytogenetic location: 4q12.
Variant type: single nucleotide variant.
Coding change: c.1541-8C>T on transcript NM_000222.3 (MANE Select); 8 bases into the intron before coding-DNA position 1541, C replaced by T.
Molecular consequence: intron variant.
Genome position (GRCh38, 1-based): chr4:54,727,210, C>T. VCF-style: chr4-54727210-C-T. GRCh37 (hg19) VCF-style: chr4-55593376-C-T.
Other names: c.1544-8C>T (NM_001385284.1, NM_001385290.1); c.1532-8C>T (NM_001385288.1, NM_001385292.1); c.1541-8C>T (NM_001385285.1); c.1529-8C>T (NM_001093772.2, NM_001385286.1).
Identifiers: ClinVar variation 237244 (VCV000237244.15), dbSNP rs367739763, ClinGen allele CA2923521.
Genomic context (GRCh38, chr4:54,727,210, plus strand): 5'-ACTGAGTGGCTGTGGTAGAGATCCCATCCTGCCAAAGTTTGTGATTCCACATTTCTCTTC[C>T]ATTGTAGAGCAAATCCATCCCCACACCCTGTTCACTCCTTTGCTGATTGGTTTCGTAATC-3'

ClinVar aggregate classification (germline): Likely benign. Review status: criteria provided, multiple submitters, no conflicts (2 of 4 stars). 3 submissions from 3 submitters: Likely benign (2). 1 of the submissions does not count toward it. Last evaluated 2026-05-27.

Conditions:
KIT-related disorder. Also called: KIT-related condition.
Gastrointestinal stromal tumor. Also called: Gastrointestinal stromal tumor, somatic; Gastrointestinal stroma tumor. Identifiers: Orphanet 44890, MedGen C0238198, MeSH D046152, MONDO:0011719, OMIM 606764, HP:0100723.

Allele frequency attached by ClinVar (database versions not stated): gnomAD exomes below 0.00001 and 0.00003; ExAC 0.00002; TOPMed 0.00011; gnomAD 0.00013 and 0.00014; 1000 Genomes Project 30x 0.00016; 1000 Genomes Project 0.00020; ESP Exome Variant Server 0.00023.
gnomAD v4.1: 28 of 1,612,514 alleles (0.0017%); highest among the groups gnomAD compares: African/African-American, 0.035%; no homozygotes.

Submissions (3):

Myriad Genetics, Inc.
Classification: Likely benign for Gastrointestinal stromal tumor. Last evaluated: 2026-05-27. Review status: criteria provided, single submitter. Criteria: Myriad Autosomal Dominant, Autosomal Recessive and X-Linked Classification Criteria (2023). Collection method: clinical testing. Allele origin: unknown.
Comment: This variant is considered likely benign. This variant is intronic and is not expected to impact mRNA splicing.

Labcorp Genetics (formerly Invitae), Labcorp
Classification: Likely benign for Gastrointestinal stromal tumor. Last evaluated: 2026-01-11. Review status: criteria provided, single submitter. Criteria: Invitae Variant Classification Sherloc (09022015). Collection method: clinical testing. Allele origin: germline.

PreventionGenetics, part of Exact Sciences
Classification: Likely benign for KIT-related condition. Last evaluated: 2023-06-15. Review status: no assertion criteria provided. Collection method: clinical testing. Allele origin: germline. Not counted in ClinVar's aggregate classification.
Comment: This variant is classified as likely benign based on ACMG/AMP sequence variant interpretation guidelines (Richards et al. 2015 PMID: 25741868, with internal and published modifications).